The following is an entry in ClinVar:

ClinVar aggregate classification (germline): Pathogenic/Likely pathogenic. Review status: criteria provided, multiple submitters, no conflicts (2 of 4 stars). 3 submissions from 3 submitters: Pathogenic (1); Likely pathogenic (2). Last evaluated 2025-05-20.

Conditions:
NPC1-related disorder. Also called: NPC1-related condition.
Niemann-Pick disease, type C1. Also called: NIEMANN-PICK DISEASE, VARIANT TYPE C1; NEUROVISCERAL STORAGE DISEASE WITH VERTICAL SUPRANUCLEAR OPHTHALMOPLEGIA; NIEMANN-PICK DISEASE WITH CHOLESTEROL ESTERIFICATION BLOCK; NIEMANN-PICK DISEASE WITHOUT SPHINGOMYELINASE DEFICIENCY; NIEMANN-PICK DISEASE, CHRONIC NEURONOPATHIC FORM. Identifiers: Orphanet 646, MedGen C3179455, MONDO:0009757, OMIM 257220.

Submissions (3):

Myriad Genetics, Inc.
Classification: Likely pathogenic for Niemann-Pick disease, type C1. Last evaluated: 2025-05-20. Review status: criteria provided, single submitter. Criteria: Myriad Autosomal Dominant, Autosomal Recessive and X-Linked Classification Criteria (2023). Collection method: clinical testing. Allele origin: unknown.
Comment: NM_000271.4(NPC1):c.1757_1757+1delAG is a variant in a canonical splice site classified as likely pathogenic in the context of Niemann-Pick disease type C1. c.1757_1757+1delAG has been observed in a case with relevant disease (PMID: 32060698). Relevant functional assessments of this variant are not available in the literature. c.1757_1757+1delAG has not been observed in referenced population frequency databases. In summary, NM_000271.4(NPC1):c.1757_1757+1delAG is a variant in a canonical splice site in a gene where loss of function is a known mechanism of disease, is predicted to disrupt protein function, and has been observed more frequently in cases with the relevant disease than in healthy populations. Please note: this variant was assessed in the context of healthy population screening.

Labcorp Genetics (formerly Invitae), Labcorp
Classification: Pathogenic for Niemann-Pick disease, type C1. Last evaluated: 2023-06-27. Review status: criteria provided, single submitter. Criteria: Invitae Variant Classification Sherloc (09022015). Collection method: clinical testing. Allele origin: germline.
Comment: For these reasons, this variant has been classified as Pathogenic. This variant has not been reported in the literature in individuals affected with NPC1-related conditions. This variant is not present in population databases (gnomAD no frequency). This sequence change creates a premature translational stop signal (p.Glu586Glyfs*6) in the NPC1 gene. It is expected to result in an absent or disrupted protein product. Loss-of-function variants in NPC1 are known to be pathogenic (PMID: 9211850).

Blueprint Genetics
Classification: Likely pathogenic for NPC1-related disorders. Last evaluated: 2020-09-16. Review status: criteria provided, single submitter. Criteria: ACMG Guidelines, 2015. Collection method: clinical testing. Allele origin: germline. Affected: yes. Observed: 2 variant alleles.

Literature cited by the submitters: PubMed 32060698 (cited by Myriad Genetics, Inc.); PubMed 9211850 (cited by Labcorp Genetics (formerly Invitae), Labcorp).

NM_000271.5(NPC1):c.1757_1757+1del

Gene: NPC1 (NPC intracellular cholesterol transporter 1; minus strand). Cytogenetic location: 18q11.2.
Variant type: Microsatellite.
Coding change: c.1757_1757+1del on transcript NM_000271.5 (MANE Select); coding-DNA position 1757 through the canonical splice donor site of the intron after coding-DNA position 1757, 2 bases deleted (AG; older notation c.1757_1757+1delAG).
Molecular consequence: splice donor variant.
Genome position (GRCh38, 1-based): chr18:23,548,005-23,548,006, CT deleted on the plus strand (AG on the coding strand, the reverse complement: NPC1 is on the minus strand); deleting any 2 consecutive bases within chr18:23,548,005-23,548,008 gives the same sequence; the c. name uses the placement nearest the transcript's 3' end. VCF-style (leftmost placement, unchanged base first): chr18-23548004-ACT-A. GRCh37 (hg19) VCF-style: chr18-21127968-ACT-A.
Identifiers: ClinVar variation 2972884 (VCV002972884.5), dbSNP rs1456597696, ClinGen allele CA777712821.